The following is an entry in ClinVar:

ClinVar aggregate classification (germline): Uncertain significance (1 of 4 stars; one submission).

Conditions:
MHC class II deficiency. Also called: BLS, TYPE II; Bare lymphocyte syndrome 2. Identifiers: Orphanet 572, MedGen C5447452, MONDO:0008855.

Submission:

Labcorp Genetics (formerly Invitae), Labcorp
Classification: Uncertain significance for MHC class II deficiency. Last evaluated: 2022-09-27. Review status: criteria provided, single submitter. Criteria: Invitae Variant Classification Sherloc (09022015). Collection method: clinical testing. Allele origin: germline.
Comment: In summary, the available evidence is currently insufficient to determine the role of this variant in disease. Therefore, it has been classified as a Variant of Uncertain Significance. Variants that disrupt the consensus splice site are a relatively common cause of aberrant splicing (PMID: 17576681, 9536098). Algorithms developed to predict the effect of sequence changes on RNA splicing suggest that this variant may disrupt the consensus splice site. ClinVar contains an entry for this variant (Variation ID: 1382670). This variant has not been reported in the literature in individuals affected with RFXANK-related conditions. This variant is not present in population databases (gnomAD no frequency). This sequence change falls in intron 6 of the RFXANK gene. It does not directly change the encoded amino acid sequence of the RFXANK protein. It affects a nucleotide within the consensus splice site.

Literature cited by the submitters: PubMed 17576681; PubMed 9536098.

NM_003721.4(RFXANK):c.438+5G>T

Gene: RFXANK (regulatory factor X associated ankyrin containing protein; plus strand). Cytogenetic location: 19p13.11.
Variant type: single nucleotide variant.
Coding change: c.438+5G>T on transcript NM_003721.4 (MANE Select); 5 bases into the intron after coding-DNA position 438, G replaced by T.
Molecular consequence: intron variant.
Genome position (GRCh38, 1-based): chr19:19,197,626, G>T. VCF-style: chr19-19197626-G-T. GRCh37 (hg19) VCF-style: chr19-19308435-G-T.
Other names: c.372+5G>T (NM_001278727.2, NM_001370234.1); c.369+5G>T (NM_134440.3, NM_001278728.2); c.435+5G>T (NM_001370235.1, NM_001370237.1, NM_001370236.1); c.438+5G>T (NM_001370238.1, NM_001370233.1).
Identifiers: ClinVar variation 1382670 (VCV001382670.4), dbSNP rs1196984337, ClinGen allele CA2573156231.